The following is an entry in ClinVar:

NM_015409.5(EP400):c.1721C>T (p.Ala574Val)

Gene: EP400 (E1A binding protein p400; plus strand). Cytogenetic location: 12q24.33.
Variant type: single nucleotide variant.
Coding change: c.1721C>T on transcript NM_015409.5 (MANE Select); coding-DNA position 1721, C replaced by T.
Protein change: p.Ala574Val; replaces alanine 574 with valine.
Molecular consequence: missense variant.
Genome position (GRCh38, 1-based): chr12:131,982,270, C>T. VCF-style: chr12-131982270-C-T. GRCh37 (hg19) VCF-style: chr12-132466815-C-T.
Other names: short protein forms A574V.
Identifiers: ClinVar variation 774823 (VCV000774823.29), dbSNP rs141312270, ClinGen allele CA6884833.

ClinVar aggregate classification (germline): Likely benign. Review status: criteria provided, multiple submitters, no conflicts (2 of 4 stars). 4 submissions from 4 submitters: Likely benign (4). Last evaluated 2025-08-18.

Allele frequency attached by ClinVar (database versions not stated): gnomAD exomes 0.00037 and 0.00062; ExAC 0.00069; gnomAD 0.00157 and 0.00169; TOPMed 0.00177; ESP Exome Variant Server 0.00192; 1000 Genomes Project 30x 0.00219; 1000 Genomes Project 0.00240.
gnomAD v4.1: 849 of 1,614,188 alleles (0.053%); highest among the groups gnomAD compares: African/African-American, 0.55%; 6 homozygotes.

Submissions (4):

Genomic Medicine Center of Excellence, King Faisal Specialist Hospital and Research Centre
Classification: Likely benign. Last evaluated: 2025-08-18. Review status: criteria provided, single submitter. Criteria: ACMG Guidelines, 2015. Collection method: clinical testing. Allele origin: germline.

CeGaT Center for Human Genetics Tuebingen
Classification: Likely benign. Last evaluated: 2023-09-01. Review status: criteria provided, single submitter. Criteria: CeGaT Center For Human Genetics Tuebingen Variant Classification Criteria Version 2. Collection method: clinical testing. Allele origin: germline. Affected: yes. Observed: 1 variant allele.
Comment: EP400: BS2

Labcorp Genetics (formerly Invitae), Labcorp
Classification: Likely benign. Last evaluated: 2018-05-21. Review status: criteria provided, single submitter. Criteria: Invitae Variant Classification Sherloc (09022015). Collection method: clinical testing. Allele origin: germline.

Breakthrough Genomics
Classification: Likely benign. Review status: criteria provided, single submitter. Criteria: ACMG Guidelines, 2015. Collection method: not provided. Allele origin: germline. Inheritance: Unknown mechanism. Affected: yes.